The following is an entry in ClinVar:

ClinVar aggregate classification (germline): Uncertain significance. Review status: criteria provided, multiple submitters, no conflicts (2 of 4 stars). 3 submissions from 3 submitters: Uncertain significance (3). Last evaluated 2025-12-17.

Conditions:
Dilated cardiomyopathy 1G (CMD1G). Identifiers: Orphanet 154, MedGen C1858763, MONDO:0011400, OMIM 604145.
Autosomal recessive limb-girdle muscular dystrophy type 2J (LGMDR10). Also called: Limb-girdle muscular dystrophy, type 2J; MUSCULAR DYSTROPHY, LIMB-GIRDLE, AUTOSOMAL RECESSIVE 10. Identifiers: Orphanet 140922, MedGen C1837342, MONDO:0012127, OMIM 608807.
TTN-related disorder. Also called: TTN-related disorders; TTN-related condition; TTN-related disease.

Allele frequency attached by ClinVar (database versions not stated): TOPMed 0.00001.

Submissions (3):

PreventionGenetics, part of Exact Sciences
Classification: Uncertain significance for TTN-related condition. Last evaluated: 2025-12-17. Review status: criteria provided, single submitter. Criteria: ACMG Guidelines, 2015. Collection method: clinical testing. Allele origin: germline.
Comment: The TTN c.46304+5G>A variant is predicted to interfere with splicing. To our knowledge, this variant has not been reported in the literature or in a large population database (gnomAD), indicating this variant is rare. At this time, the clinical significance of this variant is uncertain due to the absence of conclusive functional and genetic evidence.

Labcorp Genetics (formerly Invitae), Labcorp
Classification: Uncertain significance for Dilated cardiomyopathy 1G; Autosomal recessive limb-girdle muscular dystrophy type 2J. Last evaluated: 2022-02-02. Review status: criteria provided, single submitter. Criteria: Invitae Variant Classification Sherloc (09022015). Collection method: clinical testing. Allele origin: germline.
Comment: In summary, the available evidence is currently insufficient to determine the role of this variant in disease. Therefore, it has been classified as a Variant of Uncertain Significance. This variant is located in the I band of TTN (PMID: 25589632). Variants in this region may be clinically relevant, but have not been definitively shown to cause cardiomyopathy or neuromuscular disease (PMID: 27493940, 32778822). Variants that disrupt the consensus splice site are a relatively common cause of aberrant splicing (PMID: 17576681, 9536098). Algorithms developed to predict the effect of sequence changes on RNA splicing suggest that this variant may disrupt the consensus splice site. ClinVar contains an entry for this variant (Variation ID: 96290). This variant has not been reported in the literature in individuals affected with TTN-related conditions. This variant is not present in population databases (gnomAD no frequency). This sequence change falls in intron 248 of the TTN gene. It does not directly change the encoded amino acid sequence of the TTN protein. It affects a nucleotide within the consensus splice site.

Eurofins Ntd Llc (ga)
Classification: Uncertain significance. Last evaluated: 2013-05-01. Review status: criteria provided, single submitter. Criteria: EGL Classification Definitions 2015. Collection method: clinical testing. Allele origin: germline. Observed: 1 variant allele, 1 heterozygote.

Literature cited by the submitters: PubMed 25589632 (cited by Labcorp Genetics (formerly Invitae), Labcorp); PubMed 27493940 (cited by Labcorp Genetics (formerly Invitae), Labcorp); PubMed 32778822 (cited by Labcorp Genetics (formerly Invitae), Labcorp); PubMed 17576681 (cited by Labcorp Genetics (formerly Invitae), Labcorp); PubMed 9536098 (cited by Labcorp Genetics (formerly Invitae), Labcorp).

NM_001267550.2(TTN):c.46304+5G>A

Genes: TTN (titin; minus strand), TTN-AS1 (TTN antisense RNA 1; plus strand). Cytogenetic location: 2q31.2.
Variant type: single nucleotide variant.
Coding change: c.46304+5G>A on transcript NM_001267550.2 (MANE Select); 5 bases into the intron after coding-DNA position 46304, G replaced by A.
Molecular consequence: intron variant. On other transcripts: non-coding transcript variant (1).
Genome position (GRCh38, 1-based): chr2:178,620,212, C>T on the plus strand (G>A on the coding strand, the complement: TTN is on the minus strand). VCF-style: chr2-178620212-C-T. GRCh37 (hg19) VCF-style: chr2-179484939-C-T.
Other names: c.38600+5G>A (NM_133378.4); c.19109+5G>A (NM_003319.4); c.19685+5G>A (NM_133437.4); c.19484+5G>A (NM_133432.3); c.41381+5G>A (NM_001256850.1).
Identifiers: ClinVar variation 96290 (VCV000096290.14), dbSNP rs398124452, ClinGen allele CA223940.